The following is an entry in ClinVar:

ClinVar aggregate classification (germline): Benign/Likely benign. Review status: criteria provided, multiple submitters, no conflicts (2 of 4 stars). 4 submissions from 4 submitters: Benign (3); Likely benign (1). Last evaluated 2026-02-10.

Allele frequency attached by ClinVar (database versions not stated): 1000 Genomes Project 0.00359; ESP Exome Variant Server 0.00428.

Submissions (4):

Women's Health and Genetics/Laboratory Corporation of America, LabCorp
Classification: Benign. Last evaluated: 2026-02-10. Review status: criteria provided, single submitter. Criteria: LabCorp Variant Classification Summary - May 2015. Collection method: clinical testing. Allele origin: germline.
Comment: Variant summary: ICOSLG c.296G>A (p.Arg99His) results in a non-conservative amino acid change in the encoded protein sequence. Algorithms developed to predict the effect of missense changes on protein structure and function are either unavailable or do not agree on the potential impact of this missense change. The variant allele was found at a frequency of 0.0013 in 248660 control chromosomes, predominantly at a frequency of 0.014 within the African or African-American subpopulation in the gnomAD database (exomes dataset), including 2 homozygotes. The observed variant frequency within African or African-American control individuals in the gnomAD database exceeds the estimated maximal expected allele frequency for disease-causing variants in ICOSLG. To our knowledge, no occurrence of c.296G>A in individuals affected with ICOSLG-related conditions and no experimental evidence demonstrating its impact on protein function have been reported. ClinVar contains an entry for this variant (Variation ID: 783880). Based on the evidence outlined above, the variant was classified as benign.

Labcorp Genetics (formerly Invitae), Labcorp
Classification: Benign. Last evaluated: 2026-01-18. Review status: criteria provided, single submitter. Criteria: Invitae Variant Classification Sherloc (09022015). Collection method: clinical testing. Allele origin: germline.

Blueprint Genetics
Classification: Likely benign. Last evaluated: 2024-11-25. Review status: criteria provided, single submitter. Criteria: ACMG Guidelines, 2015. Collection method: clinical testing. Allele origin: germline.

Breakthrough Genomics
Classification: Benign. Review status: criteria provided, single submitter. Criteria: ACMG Guidelines, 2015. Collection method: not provided. Allele origin: germline. Inheritance: Unknown mechanism. Affected: yes.

NM_015259.6(ICOSLG):c.296G>A (p.Arg99His)

Gene: ICOSLG (inducible T cell costimulator ligand; minus strand). Cytogenetic location: 21q22.3.
Variant type: single nucleotide variant.
Coding change: c.296G>A on transcript NM_015259.6 (MANE Select); coding-DNA position 296, G replaced by A.
Protein change: p.Arg99His; replaces arginine 99 with histidine.
Molecular consequence: missense variant. On other transcripts: intron variant (1).
Genome position (GRCh38, 1-based): chr21:44,236,977, C>T on the plus strand (G>A on the coding strand, the complement: ICOSLG is on the minus strand). VCF-style: chr21-44236977-C-T. GRCh37 (hg19) VCF-style: chr21-45656860-C-T.
Other names: c.296G>A, p.Arg99His (NM_001283050.2); c.41G>A, p.Arg14His (NM_001283052.2); c.215G>A, p.Arg72His (NM_001365759.2); c.56-1415G>A (NM_001283051.2); short protein forms R14H, R72H, R99H.
Identifiers: ClinVar variation 783880 (VCV000783880.10), dbSNP rs61737085, ClinGen allele CA321498170.